The following is an entry in ClinVar:

NM_006440.5(TXNRD2):c.26G>C (p.Arg9Pro)

Genes: COMT (catechol-O-methyltransferase; plus strand), TXNRD2 (thioredoxin reductase 2; minus strand). Cytogenetic location: 22q11.21.
Variant type: single nucleotide variant.
Coding change: c.26G>C on transcript NM_006440.5 (MANE Select); coding-DNA position 26, G replaced by C.
Protein change: p.Arg9Pro; replaces arginine 9 with proline.
Molecular consequence: missense variant. On other transcripts: non-coding transcript variant (1), 5 prime UTR variant (2).
Genome position (GRCh38, 1-based): chr22:19,941,778, C>G on the plus strand (G>C on the coding strand, the complement: TXNRD2 is on the minus strand). VCF-style: chr22-19941778-C-G. GRCh37 (hg19) VCF-style: chr22-19929301-C-G.
Other names: c.26G>C, p.Arg9Pro (NM_001282512.3, NM_001352300.2); c.-211C>G (NM_000754.4); c.-505C>G (NM_001362828.2); short protein forms R9P.
Identifiers: ClinVar variation 1794907 (VCV001794907.6), dbSNP rs866665461, ClinGen allele CA410700138.

ClinVar aggregate classification (germline): Uncertain significance. Review status: criteria provided, multiple submitters, no conflicts (2 of 4 stars). 2 submissions from 2 submitters: Uncertain significance (2). Last evaluated 2025-12-14.

Conditions:
Cardiovascular phenotype. Identifiers: MedGen CN230736.
Primary dilated cardiomyopathy (DCM). Also called: Dilated Cardiomyopathy. Identifiers: Orphanet 217604, MedGen C0007193, MeSH D002311, MONDO:0005021, HP:0001644. Inheritance: Various modes of inheritance.

Allele frequency attached by ClinVar (database versions not stated): gnomAD 0.00001.
gnomAD v4.1: 14 of 1,527,462 alleles (0.00092%); highest among the groups gnomAD compares: Non-Finnish European, 0.0012%; no homozygotes.

Submissions (2):

Labcorp Genetics (formerly Invitae), Labcorp
Classification: Uncertain significance for Primary dilated cardiomyopathy. Last evaluated: 2025-12-14. Review status: criteria provided, single submitter. Criteria: Invitae Variant Classification Sherloc (09022015). Collection method: clinical testing. Allele origin: germline.
Comment: This sequence change replaces arginine, which is basic and polar, with proline, which is neutral and non-polar, at codon 9 of the TXNRD2 protein (p.Arg9Pro). This variant is present in population databases (no rsID available, gnomAD 0.001%). This variant has not been reported in the literature in individuals affected with TXNRD2-related conditions. ClinVar contains an entry for this variant (Variation ID: 1794907). An algorithm developed to predict the effect of missense changes on protein structure and function (PolyPhen-2) suggests that this variant is likely to be tolerated. In summary, the available evidence is currently insufficient to determine the role of this variant in disease. Therefore, it has been classified as a Variant of Uncertain Significance.

Ambry Genetics
Classification: Uncertain significance for Cardiovascular phenotype. Last evaluated: 2024-06-26. Review status: criteria provided, single submitter. Criteria: Ambry Variant Classification Scheme 2023. Collection method: clinical testing. Allele origin: germline.
Comment: The p.R9P variant (also known as c.26G>C), located in coding exon 1 of the TXNRD2 gene, results from a G to C substitution at nucleotide position 26. The arginine at codon 9 is replaced by proline, an amino acid with dissimilar properties. This amino acid position is conserved. In addition, this alteration is predicted to be tolerated by in silico analysis. Since supporting evidence is limited at this time, the clinical significance of this alteration remains unclear.